The following is an entry in ClinVar:

ClinVar aggregate classification (germline): Benign/Likely benign. Review status: criteria provided, multiple submitters, no conflicts (2 of 4 stars). 12 submissions from 12 submitters: Benign (6); Likely benign (4). 2 of the submissions do not count toward it. Last evaluated 2026-07-01.

Conditions:
Developmental and epileptic encephalopathy, 33 (DEE33). Also called: Epileptic encephalopathy, early infantile, 33. Identifiers: Orphanet 442835, MedGen C4225337, MONDO:0014625, OMIM 616409.
Intellectual developmental disorder, autosomal dominant 38. Also called: Intellectual disability, autosomal dominant 38; PSYCHOMOTOR RETARDATION, EPILEPSY, AND LANGUAGE DISABILITY SYNDROME. Identifiers: MedGen C4225343, MONDO:0014617, OMIM 616393.
Inborn genetic diseases. Identifiers: MedGen C0950123, MeSH D030342.

Allele frequency attached by ClinVar (database versions not stated): 1000 Genomes Project 0.00140; TOPMed 0.00291; ExAC 0.00212; gnomAD 0.00263 and 0.00277; 1000 Genomes Project 30x 0.00156; gnomAD exomes 0.00236 and 0.00386; ESP Exome Variant Server 0.00243.
gnomAD v4.1: 5,403 of 1,451,404 alleles (0.37%); highest among the groups gnomAD compares: Non-Finnish European, 0.45%; 19 homozygotes.

Submissions (12):

CeGaT Center for Human Genetics Tuebingen
Classification: Benign. Last evaluated: 2026-07-01. Review status: criteria provided, single submitter. Criteria: CeGaT Center For Human Genetics Tuebingen Variant Classification Criteria Version 2. Collection method: clinical testing. Allele origin: germline. Affected: yes. Observed: 32 variant alleles.
Comment: EEF1A2: BP4, BP7, BS1, BS2

Labcorp Genetics (formerly Invitae), Labcorp
Classification: Benign for Developmental and epileptic encephalopathy, 33. Last evaluated: 2026-02-03. Review status: criteria provided, single submitter. Criteria: Invitae Variant Classification Sherloc (09022015). Collection method: clinical testing. Allele origin: germline.

ARUP Laboratories, Molecular Genetics and Genomics, ARUP Laboratories
Classification: Benign. Last evaluated: 2025-03-04. Review status: criteria provided, single submitter. Criteria: ARUP Molecular Germline Variant Investigation Process 2024. Collection method: clinical testing. Allele origin: germline.

Mayo Clinic Laboratories, Mayo Clinic
Classification: Benign. Last evaluated: 2024-12-17. Review status: criteria provided, single submitter. Criteria: ACMG Guidelines, 2015. Collection method: clinical testing. Allele origin: germline. Observed: 1 variant allele.
Comment: BS1, BS2, BP4, BP7

Blueprint Genetics
Classification: Likely benign. Last evaluated: 2024-11-27. Review status: criteria provided, single submitter. Criteria: ACMG Guidelines, 2015. Collection method: clinical testing. Allele origin: germline.

Fulgent Genetics
Classification: Likely benign for Intellectual developmental disorder, autosomal dominant 38; Developmental and epileptic encephalopathy, 33. Last evaluated: 2022-05-17. Review status: criteria provided, single submitter. Criteria: ACMG Guidelines, 2015. Collection method: clinical testing. Allele origin: unknown.

Athena Diagnostics
Classification: Benign. Last evaluated: 2018-05-23. Review status: criteria provided, single submitter. Criteria: Athena Diagnostics Criteria. Collection method: clinical testing. Allele origin: germline.

GeneDx
Classification: Benign. Last evaluated: 2016-10-05. Review status: criteria provided, single submitter. Criteria: GeneDx Variant Classification (06012015). Collection method: clinical testing. Allele origin: germline. Affected: yes.
Comment: This variant is considered likely benign or benign based on one or more of the following criteria: it is a conservative change, it occurs at a poorly conserved position in the protein, it is predicted to be benign by multiple in silico algorithms, and/or has population frequency not consistent with disease.

Ambry Genetics
Classification: Likely benign for Inborn genetic diseases. Last evaluated: 2016-03-21. Review status: criteria provided, single submitter. Criteria: Ambry Variant Classification Scheme 2023. Collection method: clinical testing. Allele origin: germline.

Breakthrough Genomics
Classification: Likely benign. Review status: criteria provided, single submitter. Criteria: ACMG Guidelines, 2015. Collection method: not provided. Allele origin: germline. Inheritance: Autosomal dominant inheritance. Affected: yes.

Clinical Genetics DNA and cytogenetics Diagnostics Lab, Erasmus MC, Erasmus Medical Center
Classification: Benign. Review status: no assertion criteria provided. Collection method: clinical testing. Allele origin: germline. Affected: yes. Study: VKGL Data-share Consensus. Not counted in ClinVar's aggregate classification.

Diagnostic Laboratory, Department of Genetics, University Medical Center Groningen
Classification: Likely benign. Review status: no assertion criteria provided. Collection method: clinical testing. Allele origin: germline. Affected: yes. Study: VKGL Data-share Consensus. Not counted in ClinVar's aggregate classification.

NM_001958.5(EEF1A2):c.1266C>A (p.Gly422=)

Gene: EEF1A2 (eukaryotic translation elongation factor 1 alpha 2; minus strand). Cytogenetic location: 20q13.33.
Variant type: single nucleotide variant.
Coding change: c.1266C>A on transcript NM_001958.5 (MANE Select); coding-DNA position 1266, C replaced by A.
Protein change: p.Gly422=; no amino-acid change (glycine 422 retained).
Molecular consequence: synonymous variant.
Genome position (GRCh38, 1-based): chr20:63,488,424, G>T on the plus strand (C>A on the coding strand, the complement: EEF1A2 is on the minus strand). VCF-style: chr20-63488424-G-T. GRCh37 (hg19) VCF-style: chr20-62119777-G-T.
Other names: p.Gly422=.
Identifiers: ClinVar variation 382763 (VCV000382763.54), dbSNP rs202102758, ClinGen allele CA9958921.